The following is an entry in ClinVar:

ClinVar aggregate classification (germline): Uncertain significance (1 of 4 stars; one submission).

Conditions:
Platelet-type bleeding disorder 15 (BDPLT15). Also called: MACROTHROMBOCYTOPENIA, AUTOSOMAL DOMINANT, ACTN1-RELATED. Identifiers: Orphanet 140957, MedGen C3554663, MONDO:0014078, OMIM 615193.

Allele frequency attached by ClinVar (database versions not stated): gnomAD exomes below 0.00001 and 0.00001; TOPMed 0.00001; gnomAD 0.00002.
gnomAD v4.1: 13 of 1,613,408 alleles (0.00081%); highest among the groups gnomAD compares: Non-Finnish European, 0.0011%; no homozygotes.

Submission:

ISTH-SSC Genomics in Thrombosis and Hemostasis, KU Leuven, Center for Molecular and Vascular Biology
Classification: Uncertain significance for Platelet-type bleeding disorder 15. Review status: criteria provided, single submitter. Criteria: ACMG Guidelines, 2015. Collection method: clinical testing. Allele origin: germline. Affected: yes and no. Observed: 2 heterozygotes. Clinical features observed: Bruising and severe thrombocytopenia, Normal platelet counts.
Comment: GoldVariant submitter: Juliana Perez Botero , Versiti Diagnostic Laboratories, USA

Literature cited by the submitters: PubMed 34355501.

NM_001130004.2(ACTN1):c.2658G>A (p.Met886Ile)

Gene: ACTN1 (actinin alpha 1; minus strand). Cytogenetic location: 14q24.1.
Variant type: single nucleotide variant.
Coding change: c.2658G>A on transcript NM_001130004.2 (MANE Select); coding-DNA position 2658, G replaced by A.
Protein change: p.Met886Ile; replaces methionine 886 with isoleucine.
Molecular consequence: missense variant.
Genome position (GRCh38, 1-based): chr14:68,874,946, C>T on the plus strand (G>A on the coding strand, the complement: ACTN1 is on the minus strand). VCF-style: chr14-68874946-C-T. GRCh37 (hg19) VCF-style: chr14-69341663-C-T.
Other names: c.2592G>A, p.Met864Ile (NM_001102.4); c.2577G>A, p.Met859Ile (NM_001130005.2); short protein forms M859I, M864I, M886I.
Identifiers: ClinVar variation 1677254 (VCV001677254.1), dbSNP rs1371015727, ClinGen allele CA390179098.